The following is an entry in ClinVar:

ClinVar aggregate classification (germline): Likely pathogenic (1 of 4 stars; one submission).

Submission:

Labcorp Genetics (formerly Invitae), Labcorp
Classification: Likely pathogenic. Last evaluated: 2022-05-07. Review status: criteria provided, single submitter. Criteria: Invitae Variant Classification Sherloc (09022015). Collection method: clinical testing. Allele origin: germline.
Comment: This sequence change affects a donor splice site in intron 8 of the SLC4A11 gene. It is expected to disrupt RNA splicing. Variants that disrupt the donor or acceptor splice site typically lead to a loss of protein function (PMID: 16199547), and loss-of-function variants in SLC4A11 are known to be pathogenic (PMID: 17220209, 17679935). In summary, the currently available evidence indicates that the variant is pathogenic, but additional data are needed to prove that conclusively. Therefore, this variant has been classified as Likely Pathogenic. Algorithms developed to predict the effect of sequence changes on RNA splicing suggest that this variant may disrupt the consensus splice site. This variant has not been reported in the literature in individuals affected with SLC4A11-related conditions. This variant is not present in population databases (gnomAD no frequency).

Literature cited by the submitters: PubMed 16199547; PubMed 17220209; PubMed 17679935.

NM_001174089.2(SLC4A11):c.1042+1G>A

Gene: SLC4A11 (solute carrier family 4 member 11; minus strand). Cytogenetic location: 20p13.
Variant type: single nucleotide variant.
Coding change: c.1042+1G>A on transcript NM_001174089.2 (MANE Select); the canonical splice donor site of the intron after coding-DNA position 1042, G replaced by A.
Molecular consequence: splice donor variant.
Genome position (GRCh38, 1-based): chr20:3,231,148, C>T on the plus strand (G>A on the coding strand, the complement: SLC4A11 is on the minus strand). VCF-style: chr20-3231148-C-T. GRCh37 (hg19) VCF-style: chr20-3211794-C-T.
Other names: c.985+1G>A (NM_001400277.1, NM_001400278.1, NM_001400279.1); c.1042+1G>A (NM_001363745.2); c.1171+1G>A (NM_001400280.1, NM_001174090.2); c.1090+1G>A (NM_032034.4).
Identifiers: ClinVar variation 1932431 (VCV001932431.5), dbSNP rs2514563055, ClinGen allele CA408089354.
Genomic context (GRCh38, chr20:3,231,148, plus strand): 5'-GCTGGGGATGCAGGACAGGCACACGTGTGGGCCCAAGGCCTGGAAAGCAGAGGCCACGTA[C>T]CATCAGTGAAGTCCAAGGGGTACAAGGGGAACCTGCGTGCGATGTCCTCCCGGATGCCCT-3'